The following is an entry in ClinVar:

ClinVar aggregate classification (germline): Uncertain significance. Review status: criteria provided, multiple submitters, no conflicts (2 of 4 stars). 3 submissions from 3 submitters: Uncertain significance (3). Last evaluated 2025-12-22.

Conditions:
Cataract 22 multiple types. Also called: Cataract 22; CATARACT 22, NUCLEAR, AUTOSOMAL RECESSIVE; CATARACT 22, MULTIPLE TYPES, AUTOSOMAL DOMINANT. Identifiers: Orphanet 91492, MedGen C1857853, MONDO:0012336, OMIM 609741.
Inborn genetic diseases. Identifiers: MedGen C0950123, MeSH D030342.

Allele frequency attached by ClinVar (database versions not stated): gnomAD exomes 0.00004 and 0.00014; ExAC 0.00014; 1000 Genomes Project 30x 0.00031; gnomAD 0.00031 and 0.00034; TOPMed 0.00037; ESP Exome Variant Server 0.00038; 1000 Genomes Project 0.00040.
gnomAD v4.1: 111 of 1,612,664 alleles (0.0069%); highest among the groups gnomAD compares: African/African-American, 0.092%; no homozygotes.

Submissions (3):

Labcorp Genetics (formerly Invitae), Labcorp
Classification: Uncertain significance for Cataract 22 multiple types. Last evaluated: 2025-12-22. Review status: criteria provided, single submitter. Criteria: Invitae Variant Classification Sherloc (09022015). Collection method: clinical testing. Allele origin: germline.
Comment: This sequence change replaces arginine, which is basic and polar, with histidine, which is basic and polar, at codon 207 of the CRYBB3 protein (p.Arg207His). This variant is present in population databases (rs151051126, gnomAD 0.1%). This variant has not been reported in the literature in individuals affected with CRYBB3-related conditions. ClinVar contains an entry for this variant (Variation ID: 902502). An algorithm developed to predict the effect of missense changes on protein structure and function (PolyPhen-2) suggests that this variant is likely to be tolerated. In summary, the available evidence is currently insufficient to determine the role of this variant in disease. Therefore, it has been classified as a Variant of Uncertain Significance.

Ambry Genetics
Classification: Uncertain significance for Inborn genetic diseases. Last evaluated: 2021-09-16. Review status: criteria provided, single submitter. Criteria: Ambry Variant Classification Scheme 2023. Collection method: clinical testing. Allele origin: germline.

Illumina Laboratory Services, Illumina
Classification: Uncertain significance for Cataract 22 multiple types. Last evaluated: 2018-01-13. Review status: criteria provided, single submitter. Criteria: ICSL Variant Classification Criteria 13 December 2019. Collection method: clinical testing. Allele origin: germline.

NM_004076.5(CRYBB3):c.620G>A (p.Arg207His)

Gene: CRYBB3 (crystallin beta B3; plus strand). Cytogenetic location: 22q11.23.
Variant type: single nucleotide variant.
Coding change: c.620G>A on transcript NM_004076.5 (MANE Select); coding-DNA position 620, G replaced by A.
Protein change: p.Arg207His; replaces arginine 207 with histidine.
Molecular consequence: missense variant.
Genome position (GRCh38, 1-based): chr22:25,207,196, G>A. VCF-style: chr22-25207196-G-A. GRCh37 (hg19) VCF-style: chr22-25603163-G-A.
Other names: c.620G>A (NM_004076.3); short protein forms R207H.
Identifiers: ClinVar variation 902502 (VCV000902502.7), dbSNP rs151051126, ClinGen allele CA10157871.
Genomic context (GRCh38, chr22:25,207,196, plus strand): 5'-GCCAGCCGCAGCTGCAGTCTGTGCGCCGCATCCGTGACCAGAAGTGGCACAAGCGGGGCC[G>A]CTTCCCCAGCAGCTGAAAGGCACCCAGACTTCAAGGACCCAGACCCACCCTGGGGGGCTG-3'
Protein context (NP_004067.1, residues 197-211): IRDQKWHKRG[Arg207His]FPSS